The following is an entry in ClinVar:

NM_002303.6(LEPR):c.2491+5A>G

Gene: LEPR (leptin receptor; plus strand). Cytogenetic location: 1p31.3.
Variant type: single nucleotide variant.
Coding change: c.2491+5A>G on transcript NM_002303.6 (MANE Select); 5 bases into the intron after coding-DNA position 2491, A replaced by G.
Molecular consequence: intron variant.
Genome position (GRCh38, 1-based): chr1:65,620,028, A>G. VCF-style: chr1-65620028-A-G. GRCh37 (hg19) VCF-style: chr1-66085711-A-G.
Other names: c.2491+5A>G (NM_001003679.3, NM_001003680.3, NM_001198689.2 and 2 more transcripts).
Identifiers: ClinVar variation 3352469 (VCV003352469.1).

ClinVar aggregate classification (germline): Likely benign (0 of 4 stars; one submission).

Conditions:
LEPR-related disorder. Also called: LEPR-related condition; LEPR-related disorders.

gnomAD v4.1: 63 of 1,602,868 alleles (0.0039%); highest among the groups gnomAD compares: Non-Finnish European, 0.0054%; no homozygotes.

Submission:

PreventionGenetics, part of Exact Sciences
Classification: Likely benign for LEPR-related condition. Last evaluated: 2024-02-13. Review status: no assertion criteria provided. Collection method: clinical testing. Allele origin: germline.
Comment: This variant is classified as likely benign based on ACMG/AMP sequence variant interpretation guidelines (Richards et al. 2015 PMID: 25741868, with internal and published modifications).